The following is an entry in ClinVar:

ClinVar aggregate classification (germline): Benign/Likely benign. Review status: criteria provided, multiple submitters, no conflicts (2 of 4 stars). 3 submissions from 3 submitters: Benign (1); Likely benign (2). Last evaluated 2024-05-15.

Conditions:
Hereditary cancer-predisposing syndrome. Also called: Neoplastic Syndromes, Hereditary; Tumor predisposition; Hereditary neoplastic syndrome; Hereditary Cancer Syndrome. Identifiers: Orphanet 140162, MedGen C0027672, MeSH D009386, MONDO:0015356.
Familial cancer of breast. Also called: BREAST CANCER, FAMILIAL; Hereditary breast cancer; hereditary breast carcinoma. Identifiers: Orphanet 227535, MedGen C0346153, MONDO:0016419, OMIM 114480. Disease mechanism: loss of function.

Submissions (3):

Myriad Genetics, Inc.
Classification: Benign for Familial cancer of breast. Last evaluated: 2024-05-15. Review status: criteria provided, single submitter. Criteria: Myriad Autosomal Dominant, Autosomal Recessive and X-Linked Classification Criteria (2023). Collection method: clinical testing. Allele origin: unknown.
Comment: This variant is considered benign. This variant is a silent/synonymous amino acid change and it is not expected to impact splicing.

Ambry Genetics
Classification: Likely benign for Hereditary cancer-predisposing syndrome. Last evaluated: 2018-08-24. Review status: criteria provided, single submitter. Criteria: Ambry Variant Classification Scheme 2023. Collection method: clinical testing. Allele origin: germline.

Color Diagnostics, LLC DBA Color Health
Classification: Likely benign for Hereditary cancer-predisposing syndrome. Last evaluated: 2018-03-24. Review status: criteria provided, single submitter. Criteria: ACMG Guidelines, 2015. Collection method: clinical testing. Allele origin: germline.

NM_000051.4(ATM):c.3735G>A (p.Glu1245=)

Gene: ATM (ATM serine/threonine kinase; plus strand). Cytogenetic location: 11q22.3.
Variant type: single nucleotide variant.
Coding change: c.3735G>A on transcript NM_000051.4 (MANE Select); coding-DNA position 3735, G replaced by A.
Protein change: p.Glu1245=; no amino-acid change (glutamic acid 1245 retained).
Molecular consequence: synonymous variant.
Genome position (GRCh38, 1-based): chr11:108,282,868, G>A. VCF-style: chr11-108282868-G-A. GRCh37 (hg19) VCF-style: chr11-108153595-G-A.
Other names: c.3735G>A, p.Glu1245= (NM_001351834.2).
Identifiers: ClinVar variation 628038 (VCV000628038.7), dbSNP rs1565445196, ClinGen allele CA476673369.